The following is an entry in ClinVar:

ClinVar aggregate classification (germline): Uncertain significance (1 of 4 stars; one submission).

Submission:

Labcorp Genetics (formerly Invitae), Labcorp
Classification: Uncertain significance. Last evaluated: 2023-10-11. Review status: criteria provided, single submitter. Criteria: Invitae Variant Classification Sherloc (09022015). Collection method: clinical testing. Allele origin: germline.
Comment: This sequence change replaces aspartic acid, which is acidic and polar, with tyrosine, which is neutral and polar, at codon 631 of the C1S protein (p.Asp631Tyr). This variant is not present in population databases (gnomAD no frequency). This variant has not been reported in the literature in individuals affected with C1S-related conditions. Advanced modeling of protein sequence and biophysical properties (such as structural, functional, and spatial information, amino acid conservation, physicochemical variation, residue mobility, and thermodynamic stability) performed at Invitae indicates that this missense variant is expected to disrupt C1S protein function. In summary, the available evidence is currently insufficient to determine the role of this variant in disease. Therefore, it has been classified as a Variant of Uncertain Significance.

NM_001734.5(C1S):c.1891G>T (p.Asp631Tyr)

Gene: C1S (complement C1s; plus strand). Cytogenetic location: 12p13.31.
Variant type: single nucleotide variant.
Coding change: c.1891G>T on transcript NM_001734.5 (MANE Select); coding-DNA position 1891, G replaced by T.
Protein change: p.Asp631Tyr; replaces aspartic acid 631 with tyrosine.
Molecular consequence: missense variant.
Genome position (GRCh38, 1-based): chr12:7,070,475, G>T. VCF-style: chr12-7070475-G-T. GRCh37 (hg19) VCF-style: chr12-7177779-G-T.
Other names: c.1390G>T, p.Asp464Tyr (NM_001346850.2); c.1891G>T, p.Asp631Tyr (NM_201442.4); short protein forms D631Y, D464Y.
Identifiers: ClinVar variation 2764420 (VCV002764420.3), dbSNP rs782040823, ClinGen allele CA383707885.